The following is an entry in ClinVar:

NM_001135651.3(EIF2AK2):c.255A>G (p.Leu85=)

Gene: EIF2AK2 (eukaryotic translation initiation factor 2 alpha kinase 2; minus strand). Cytogenetic location: 2p22.2.
Variant type: single nucleotide variant.
Coding change: c.255A>G on transcript NM_001135651.3 (MANE Select); coding-DNA position 255, A replaced by G.
Protein change: p.Leu85=; no amino-acid change (leucine 85 retained).
Molecular consequence: synonymous variant.
Genome position (GRCh38, 1-based): chr2:37,141,687, T>C on the plus strand (A>G on the coding strand, the complement: EIF2AK2 is on the minus strand). VCF-style: chr2-37141687-T-C. GRCh37 (hg19) VCF-style: chr2-37368830-T-C.
Other names: c.255A>G, p.Leu85= (NM_001135652.3, NM_002759.4).
Identifiers: ClinVar variation 2170003 (VCV002170003.20), dbSNP rs371052007, ClinGen allele CA1615376.
Genomic context (GRCh38, chr2:37,141,687, plus strand): 5'-GATAAGGCCTATGTAATTCCCCATGGATAATCCTTCTGAAGAATTCGTTGTTGTCAATAA[T>C]AAAGGACTAACTGCCTACAAAGAAAAAAAATTCCTGTTTAATATAAATGACAACAAAGAT-3'
Protein context (NP_001129123.1, residues 75-95): LNKEKKAVSP[Leu85=]LLTTTNSSEG

ClinVar aggregate classification (germline): Likely benign. Review status: criteria provided, multiple submitters, no conflicts (2 of 4 stars). 2 submissions from 2 submitters: Likely benign (2). Last evaluated 2025-08-04.

Allele frequency attached by ClinVar (database versions not stated): ExAC 0.00002; gnomAD exomes 0.00003; TOPMed 0.00003; gnomAD 0.00005; ESP Exome Variant Server 0.00008.
gnomAD v4.1: 48 of 1,612,552 alleles (0.003%); highest among the groups gnomAD compares: Non-Finnish European, 0.0039%; no homozygotes.

Submissions (2):

Labcorp Genetics (formerly Invitae), Labcorp
Classification: Likely benign. Last evaluated: 2025-08-04. Review status: criteria provided, single submitter. Criteria: Invitae Variant Classification Sherloc (09022015). Collection method: clinical testing. Allele origin: germline.

CeGaT Center for Human Genetics Tuebingen
Classification: Likely benign. Last evaluated: 2024-11-01. Review status: criteria provided, single submitter. Criteria: CeGaT Center For Human Genetics Tuebingen Variant Classification Criteria Version 2. Collection method: clinical testing. Allele origin: germline. Affected: yes. Observed: 2 variant alleles.
Comment: EIF2AK2: BP4, BP7